The following is an entry in ClinVar:

ClinVar aggregate classification (germline): Conflicting classifications of pathogenicity. Review status: criteria provided, conflicting classifications (1 of 4 stars). 2 submissions from 2 submitters: Uncertain significance (1); Likely benign (1). Last evaluated 2025-11-06.

Conditions:
TTN-related disorder. Also called: TTN-related disorders; TTN-related condition; TTN-related disease.

Submissions (2):

PreventionGenetics, part of Exact Sciences
Classification: Uncertain significance for TTN-related condition. Last evaluated: 2025-11-06. Review status: criteria provided, single submitter. Criteria: ACMG Guidelines, 2015. Collection method: clinical testing. Allele origin: germline.
Comment: The TTN c.11311+2536C>T variant is predicted to interfere with splicing. Of note, this variant is also referred to as c.11812C>T (p.Arg3938Cys), located in exon 46 of the alternative Novex-3 transcript NM_133379 (minor small cardiac isoform). This exon is not included in any other TTN transcripts (principle cardiac or skeletal muscle isoforms). To our knowledge, this variant has not been reported in the literature. This variant is reported in 0.0047% of alleles in individuals of European (Non-Finnish) descent in gnomAD. At this time, the clinical significance of this variant is uncertain due to the absence of conclusive functional and genetic evidence.

Blueprint Genetics
Classification: Likely benign. Last evaluated: 2022-10-24. Review status: criteria provided, single submitter. Criteria: ACMG Guidelines, 2015. Collection method: clinical testing. Allele origin: germline.

NM_001267550.2(TTN):c.11311+2536C>T

Gene: TTN (titin; minus strand). Cytogenetic location: 2q31.2.
Variant type: single nucleotide variant.
Coding change: c.11311+2536C>T on transcript NM_001267550.2 (MANE Select); 2536 bases into the intron after coding-DNA position 11311, C replaced by T.
Molecular consequence: intron variant. On other transcripts: missense variant (1).
Genome position (GRCh38, 1-based): chr2:178,750,588, G>A on the plus strand (C>T on the coding strand, the complement: TTN is on the minus strand). VCF-style: chr2-178750588-G-A. GRCh37 (hg19) VCF-style: chr2-179615315-G-A.
Other names: c.11812C>T, p.Arg3938Cys (NM_133379.5); c.10222+2536C>T (NM_003319.4); c.10798+2536C>T (NM_133437.4); c.10597+2536C>T (NM_133432.3); c.10360+2536C>T (NM_133378.4, NM_001256850.1); short protein forms R3938C.
Identifiers: ClinVar variation 4958742 (VCV004958742.2).